The following is an entry in ClinVar:

NM_014324.6(AMACR):c.247+9G>T

Genes: AMACR (alpha-methylacyl-CoA racemase; minus strand), C1QTNF3-AMACR (C1QTNF3-AMACR readthrough (NMD candidate); minus strand). Cytogenetic location: 5p13.2.
Variant type: single nucleotide variant.
Coding change: c.247+9G>T on transcript NM_014324.6 (MANE Select); 9 bases into the intron after coding-DNA position 247, G replaced by T.
Molecular consequence: intron variant.
Genome position (GRCh38, 1-based): chr5:34,007,764, C>A on the plus strand (G>T on the coding strand, the complement: AMACR is on the minus strand). VCF-style: chr5-34007764-C-A. GRCh37 (hg19) VCF-style: chr5-34007869-C-A.
Other names: p.?; c.247+9G>T (NM_203382.3, NM_001167595.2).
Identifiers: ClinVar variation 597102 (VCV000597102.17), dbSNP rs1361255226, ClinGen allele CA559293975.

ClinVar aggregate classification (germline): Conflicting classifications of pathogenicity. Review status: criteria provided, conflicting classifications (1 of 4 stars). 4 submissions from 4 submitters: Uncertain significance (2); Likely benign (2). Last evaluated 2025-12-30.

Conditions:
Alpha-methylacyl-CoA racemase deficiency (AMACRD). Also called: AMACR deficiency. Identifiers: Orphanet 79095, MedGen C3280428, MONDO:0013681, OMIM 614307. Disease mechanism: loss of function.

Allele frequency attached by ClinVar (database versions not stated): gnomAD exomes 0.00002; TOPMed 0.00005; gnomAD 0.00006.
gnomAD v4.1: 32 of 1,545,998 alleles (0.0021%); highest among the groups gnomAD compares: Non-Finnish European, 0.0028%; no homozygotes.

Submissions (4):

Labcorp Genetics (formerly Invitae), Labcorp
Classification: Likely benign for Alpha-methylacyl-CoA racemase deficiency. Last evaluated: 2025-12-30. Review status: criteria provided, single submitter. Criteria: Invitae Variant Classification Sherloc (09022015). Collection method: clinical testing. Allele origin: germline.

Mayo Clinic Laboratories, Mayo Clinic
Classification: Likely benign. Last evaluated: 2025-12-05. Review status: criteria provided, single submitter. Criteria: ACMG Guidelines, 2015. Collection method: clinical testing. Allele origin: germline. Observed: 1 variant allele.
Comment: BP4, BP7

Eurofins Ntd Llc (ga)
Classification: Uncertain significance. Last evaluated: 2018-05-07. Review status: criteria provided, single submitter. Criteria: EGL ClinVar v180209 classification definitions. Collection method: clinical testing. Allele origin: germline. Observed: 1 variant allele, 1 heterozygote.

Illumina Laboratory Services, Illumina
Classification: Uncertain significance for Alpha-methylacyl-CoA racemase deficiency. Last evaluated: 2018-01-13. Review status: criteria provided, single submitter. Criteria: ICSL Variant Classification Criteria 13 December 2019. Collection method: clinical testing. Allele origin: germline.